The following is an entry in ClinVar:

NM_004646.4(NPHS1):c.2023_2024del (p.Ala675fs)

Gene: NPHS1 (NPHS1 adhesion molecule, nephrin; minus strand). Cytogenetic location: 19q13.12.
Variant type: Deletion.
Coding change: c.2023_2024del on transcript NM_004646.4 (MANE Select); coding-DNA positions 2023 to 2024, 2 bases deleted (GC; older notation c.2023_2024delGC).
Protein change: p.Ala675fs; shifts the reading frame from alanine 675.
Molecular consequence: frameshift variant.
Genome position (GRCh38, 1-based): chr19:35,844,366-35,844,367, GC deleted on the plus strand (GC on the coding strand, the reverse complement: NPHS1 is on the minus strand); deleting any 2 consecutive bases within chr19:35,844,366-35,844,368 gives the same sequence; the c. name uses the placement nearest the transcript's 3' end. VCF-style (leftmost placement, unchanged base first): chr19-35844365-GGC-G. GRCh37 (hg19) VCF-style: chr19-36335267-GGC-G.
Other names: c.2023_2024delGC (NM_004646.3); short protein forms A675fs.
Identifiers: ClinVar variation 371105 (VCV000371105.11), dbSNP rs755763002, ClinGen allele CA9390257.
Genomic context (GRCh38, chr19:35,844,365, plus strand): 5'-ACCACTTCCCTCACCTGGACTGAGGCGATAGCCGCGGAAGGTCCAGTTGAAGGCCTCGGG[GGC>G]GGGGTTAGCGGACACGGACACGGGCAGCAACGCCTCGCCCTGCTCCACCGCGGTCACCAC-3'

ClinVar aggregate classification (germline): Pathogenic/Likely pathogenic. Review status: criteria provided, multiple submitters, no conflicts (2 of 4 stars). 4 submissions from 4 submitters: Pathogenic (1); Likely pathogenic (2). 1 of the submissions does not count toward it. Last evaluated 2024-08-12.

Conditions:
Finnish congenital nephrotic syndrome (NPHS1). Also called: NEPHROTIC SYNDROME, TYPE 1. Identifiers: Orphanet 839, MedGen C0403399, MONDO:0009732, OMIM 256300.

Submissions (4):

Labcorp Genetics (formerly Invitae), Labcorp
Classification: Pathogenic. Last evaluated: 2024-08-12. Review status: criteria provided, single submitter. Criteria: Invitae Variant Classification Sherloc (09022015). Collection method: clinical testing. Allele origin: germline.
Comment: This sequence change creates a premature translational stop signal (p.Ala675Profs*50) in the NPHS1 gene. It is expected to result in an absent or disrupted protein product. Loss-of-function variants in NPHS1 are known to be pathogenic (PMID: 11317351, 11854170, 12039988). This variant is present in population databases (rs755763002, gnomAD 0.0009%). This variant has not been reported in the literature in individuals affected with NPHS1-related conditions. ClinVar contains an entry for this variant (Variation ID: 371105). For these reasons, this variant has been classified as Pathogenic.

Natera, Inc.
Classification: Likely pathogenic for Finnish congenital nephrotic syndrome. Last evaluated: 2024-03-11. Review status: criteria provided, single submitter. Criteria: Natera Variant Classification Schema (03/2026). Collection method: clinical testing. Allele origin: germline.
Comment: The c.2023_2024delGC variant in NPHS1 is a frameshift variant predicted to shift the reading frame beginning at codon 675 and leads to a stop codon 50 codons downstream. This variant is expected to result in nonsense mediated decay, truncation, or a dysfunctional protein product. This variant is rare in the general population with a frequency below the threshold expected for the associated phenotype(s). Given the available evidence, this variant is classified as Likely Pathogenic.

Baylor Genetics
Classification: Likely pathogenic for Finnish congenital nephrotic syndrome. Last evaluated: 2024-03-06. Review status: criteria provided, single submitter. Criteria: ACMG Guidelines, 2015. Collection method: clinical testing. Allele origin: unknown.

Counsyl
Classification: Likely pathogenic for Finnish congenital nephrotic syndrome. Last evaluated: 2016-06-27. Review status: no assertion criteria provided. Collection method: clinical testing. Allele origin: unknown. Not counted in ClinVar's aggregate classification.

Literature cited by the submitters: PubMed 11317351 (cited by Labcorp Genetics (formerly Invitae), Labcorp); PubMed 11854170 (cited by Labcorp Genetics (formerly Invitae), Labcorp); PubMed 12039988 (cited by Labcorp Genetics (formerly Invitae), Labcorp).